The following is an entry in ClinVar:

ClinVar aggregate classification (germline): Uncertain significance (1 of 4 stars; one submission).

Allele frequency attached by ClinVar (database versions not stated): ExAC 0.00002.
gnomAD v4.1: 19 of 1,593,390 alleles (0.0012%); highest among the groups gnomAD compares: Admixed American, 0.0054%; 1 homozygote.

Submission:

Labcorp Genetics (formerly Invitae), Labcorp
Classification: Uncertain significance. Last evaluated: 2025-02-28. Review status: criteria provided, single submitter. Criteria: Invitae Variant Classification Sherloc (09022015). Collection method: clinical testing. Allele origin: germline.
Comment: This sequence change replaces tryptophan, which is neutral and slightly polar, with leucine, which is neutral and non-polar, at codon 680 of the TNRC6B protein (p.Trp680Leu). This variant is present in population databases (rs750268759, gnomAD 0.003%). This variant has not been reported in the literature in individuals affected with TNRC6B-related conditions. ClinVar contains an entry for this variant (Variation ID: 2421803). An algorithm developed to predict the effect of missense changes on protein structure and function (PolyPhen-2) suggests that this variant is likely to be disruptive. In summary, the available evidence is currently insufficient to determine the role of this variant in disease. Therefore, it has been classified as a Variant of Uncertain Significance.

NM_001162501.2(TNRC6B):c.2039G>T (p.Trp680Leu)

Gene: TNRC6B (trinucleotide repeat containing adaptor 6B; plus strand). Cytogenetic location: 22q13.1.
Variant type: single nucleotide variant.
Coding change: c.2039G>T on transcript NM_001162501.2 (MANE Select); coding-DNA position 2039, G replaced by T.
Protein change: p.Trp680Leu; replaces tryptophan 680 with leucine.
Molecular consequence: missense variant. On other transcripts: intron variant (1).
Genome position (GRCh38, 1-based): chr22:40,266,269, G>T. VCF-style: chr22-40266269-G-T. GRCh37 (hg19) VCF-style: chr22-40662273-G-T.
Other names: c.2039G>T, p.Trp680Leu (NM_015088.3); c.566-3853G>T (NM_001024843.2); short protein forms W680L.
Identifiers: ClinVar variation 2421803 (VCV002421803.6), dbSNP rs750268759, ClinGen allele CA10246775.